The following is an entry in ClinVar:

ClinVar aggregate classification (germline): Uncertain significance (1 of 4 stars; one submission).

Allele frequency attached by ClinVar (database versions not stated): TOPMed below 0.00001; gnomAD 0.00001.

Submission:

Labcorp Genetics (formerly Invitae), Labcorp
Classification: Uncertain significance. Last evaluated: 2022-02-21. Review status: criteria provided, single submitter. Criteria: Invitae Variant Classification Sherloc (09022015). Collection method: clinical testing. Allele origin: germline.
Comment: This sequence change replaces glutamic acid, which is acidic and polar, with lysine, which is basic and polar, at codon 72 of the CDH2 protein (p.Glu72Lys). This variant is not present in population databases (gnomAD no frequency). This variant has not been reported in the literature in individuals affected with CDH2-related conditions. Algorithms developed to predict the effect of missense changes on protein structure and function (SIFT, PolyPhen-2, Align-GVGD) all suggest that this variant is likely to be tolerated. In summary, the available evidence is currently insufficient to determine the role of this variant in disease. Therefore, it has been classified as a Variant of Uncertain Significance.

NM_001792.5(CDH2):c.214G>A (p.Glu72Lys)

Gene: CDH2 (cadherin 2; minus strand). Cytogenetic location: 18q12.1.
Variant type: single nucleotide variant.
Coding change: c.214G>A on transcript NM_001792.5 (MANE Select); coding-DNA position 214, G replaced by A.
Protein change: p.Glu72Lys; replaces glutamic acid 72 with lysine.
Molecular consequence: missense variant.
Genome position (GRCh38, 1-based): chr18:28,013,868, C>T on the plus strand (G>A on the coding strand, the complement: CDH2 is on the minus strand). VCF-style: chr18-28013868-C-T. GRCh37 (hg19) VCF-style: chr18-25593832-C-T.
Other names: c.121G>A, p.Glu41Lys (NM_001308176.2); short protein forms E41K, E72K.
Identifiers: ClinVar variation 1965182 (VCV001965182.5), dbSNP rs1290280143, ClinGen allele CA402244686.